The following is an entry in ClinVar:

ClinVar aggregate classification (germline): Uncertain significance (1 of 4 stars; one submission).

Conditions:
Frontotemporal dementia (FTD1). Also called: Dementia, frontotemporal, with or without parkinsonism; MULTIPLE SYSTEM TAUOPATHY WITH PRESENILE DEMENTIA; Frontotemporal lobe dementia (FLDEM); WILHELMSEN-LYNCH DISEASE; FRONTOTEMPORAL DEMENTIA WITH PARKINSONISM; FRONTOTEMPORAL LOBE DEMENTIA. Identifiers: Orphanet 282, MedGen C0338451, MONDO:0017276, OMIM 600274, HP:0002145.

Allele frequency attached by ClinVar (database versions not stated): gnomAD 0.00001; gnomAD exomes 0.00001; TOPMed 0.00001; ExAC 0.00003.
gnomAD v4.1: 9 of 1,612,008 alleles (0.00056%); highest among the groups gnomAD compares: East Asian, 0.02%; no homozygotes.

Submission:

Labcorp Genetics (formerly Invitae), Labcorp
Classification: Uncertain significance for Frontotemporal dementia. Last evaluated: 2025-06-16. Review status: criteria provided, single submitter. Criteria: Invitae Variant Classification Sherloc (09022015). Collection method: clinical testing. Allele origin: germline.
Comment: This sequence change replaces glutamic acid, which is acidic and polar, with valine, which is neutral and non-polar, at codon 45 of the MAPT protein (p.Glu45Val). The frequency data for this variant in the population databases is considered unreliable, as metrics indicate poor data quality at this position in the gnomAD database. This variant has not been reported in the literature in individuals affected with MAPT-related conditions. ClinVar contains an entry for this variant (Variation ID: 2704658). An algorithm developed to predict the effect of missense changes on protein structure and function (PolyPhen-2) suggests that this variant is likely to be tolerated. In summary, the available evidence is currently insufficient to determine the role of this variant in disease. Therefore, it has been classified as a Variant of Uncertain Significance.

NM_001377265.1(MAPT):c.134A>T (p.Glu45Val)

Gene: MAPT (microtubule associated protein tau). Cytogenetic location: 17q21.31.
Variant type: single nucleotide variant.
Coding change: c.134A>T on transcript NM_001377265.1 (MANE Select); coding-DNA position 134, A replaced by T.
Protein change: p.Glu45Val; replaces glutamic acid 45 with valine.
Molecular consequence: missense variant. On other transcripts: non-coding transcript variant (1), intron variant (3).
Genome position (GRCh38, 1-based): chr17:45,971,859, A>T. VCF-style: chr17-45971859-A-T. GRCh37 (hg19) VCF-style: chr17-44049225-A-T.
Other names: c.134A>T, p.Glu45Val (NM_001123066.4, NM_001123067.4, NM_001203251.2 and 5 more transcripts); c.134-6516A>T (NM_001377268.1, NM_016834.5, NM_016841.5); short protein forms E45V.
Identifiers: ClinVar variation 2704658 (VCV002704658.3), dbSNP rs764226855, ClinGen allele CA8617538.